The following is an entry in ClinVar:

ClinVar aggregate classification (germline): Uncertain significance. Review status: criteria provided, multiple submitters, no conflicts (2 of 4 stars). 4 submissions from 4 submitters: Uncertain significance (4). Last evaluated 2026-01-27.

Conditions:
Hereditary cancer-predisposing syndrome. Also called: Neoplastic Syndromes, Hereditary; Hereditary Cancer Syndrome; Tumor predisposition; Hereditary neoplastic syndrome. Identifiers: Orphanet 140162, MedGen C0027672, MeSH D009386, MONDO:0015356.
Familial cancer of breast. Also called: Hereditary breast cancer; BREAST CANCER, FAMILIAL; hereditary breast carcinoma. Identifiers: Orphanet 227535, MedGen C0346153, MONDO:0016419, OMIM 114480. Disease mechanism: loss of function.
Ataxia-telangiectasia syndrome (AT). Also called: LOUIS-BAR SYNDROME; Cerebello-oculocutaneous telangiectasia; Immunodeficiency with ataxia telangiectasia; Ataxia-telangiectasia, complementation group D; AT, COMPLEMENTATION GROUP C; Ataxia-telangiectasia, complementation group E. Identifiers: Orphanet 100, MedGen C0004135, MONDO:0008840, OMIM 208900.

Allele frequency attached by ClinVar (database versions not stated): gnomAD exomes below 0.00001.
gnomAD v4.1: 1 of 1,612,512 alleles (0.000062%); highest among the groups gnomAD compares: Non-Finnish European, 0.000085%; no homozygotes.

Submissions (4):

Labcorp Genetics (formerly Invitae), Labcorp
Classification: Uncertain significance for Ataxia-telangiectasia syndrome. Last evaluated: 2026-01-27. Review status: criteria provided, single submitter. Criteria: Invitae Variant Classification Sherloc (09022015). Collection method: clinical testing. Allele origin: germline.
Comment: This sequence change replaces aspartic acid, which is acidic and polar, with tyrosine, which is neutral and polar, at codon 2672 of the ATM protein (p.Asp2672Tyr). This variant is not present in population databases (gnomAD no frequency). This variant has not been reported in the literature in individuals affected with ATM-related conditions. ClinVar contains an entry for this variant (Variation ID: 453717). Invitae Evidence Modeling of protein sequence and biophysical properties (such as structural, functional, and spatial information, amino acid conservation, physicochemical variation, residue mobility, and thermodynamic stability) indicates that this missense variant is expected to disrupt ATM protein function with a positive predictive value of 95%. In summary, the available evidence is currently insufficient to determine the role of this variant in disease. Therefore, it has been classified as a Variant of Uncertain Significance.

Department of Clinical Genetics, Copenhagen University Hospital, Rigshospitalet
Classification: Uncertain significance for Familial cancer of breast; Ataxia-telangiectasia syndrome. Last evaluated: 2025-12-10. Review status: criteria provided, single submitter. Criteria: ACMG Guidelines, 2015. Collection method: clinical testing. Allele origin: germline.
Comment: The following ACMG criteria has been used: PM2_SUP (reported once in gnomAD v.4.1 (Frequency ≤.001% in gnomAD v4 dataset); PP3 (Revel score > 0.7333 (Score 0.761)). Functional analysis indicates that the variant affects ATM function (PMID: 40580951)

Center for Genomic Medicine, Rigshospitalet, Copenhagen University Hospital
Classification: Uncertain significance. Last evaluated: 2025-03-04. Review status: criteria provided, single submitter. Criteria: ACMG Guidelines, 2015. Collection method: clinical testing. Allele origin: germline.

Ambry Genetics
Classification: Uncertain significance for Hereditary cancer-predisposing syndrome. Last evaluated: 2022-09-23. Review status: criteria provided, single submitter. Criteria: Ambry Variant Classification Scheme 2023. Collection method: clinical testing. Allele origin: germline.
Comment: The p.D2672Y variant (also known as c.8014G>T), located in coding exon 54 of the ATM gene, results from a G to T substitution at nucleotide position 8014. The aspartic acid at codon 2672 is replaced by tyrosine, an amino acid with highly dissimilar properties. This amino acid position is highly conserved in available vertebrate species. In addition, this alteration is predicted to be deleterious by in silico analysis. Since supporting evidence is limited at this time, the clinical significance of this alteration remains unclear.

Literature cited by the submitters: PubMed 40580951 (cited by Department of Clinical Genetics, Copenhagen University Hospital, Rigshospitalet); PubMed 35076389 (cited by Center for Genomic Medicine, Rigshospitalet, Copenhagen University Hospital); PubMed 19781682 (cited by Center for Genomic Medicine, Rigshospitalet, Copenhagen University Hospital).

NM_000051.4(ATM):c.8014G>T (p.Asp2672Tyr)

Genes: ATM (ATM serine/threonine kinase; plus strand), C11orf65 (chromosome 11 open reading frame 65; minus strand). Cytogenetic location: 11q22.3.
Variant type: single nucleotide variant.
Coding change: c.8014G>T on transcript NM_000051.4 (MANE Select); coding-DNA position 8014, G replaced by T.
Protein change: p.Asp2672Tyr; replaces aspartic acid 2672 with tyrosine.
Molecular consequence: missense variant. On other transcripts: intron variant (2).
Genome position (GRCh38, 1-based): chr11:108,334,972, G>T. VCF-style: chr11-108334972-G-T. GRCh37 (hg19) VCF-style: chr11-108205699-G-T.
Other names: c.8014G>T, p.Asp2672Tyr (NM_001351834.2); c.641-25901C>A (NM_001330368.2); c.*38+248C>A (NM_001351110.2); short protein forms D2672Y.
Identifiers: ClinVar variation 453717 (VCV000453717.17), dbSNP rs1555127024, ClinGen allele CA382561841.